The following is an entry in ClinVar:

ClinVar aggregate classification (germline): Uncertain significance (1 of 4 stars; one submission).

Conditions:
Primary immunodeficiency with post-measles-mumps-rubella vaccine viral infection. Also called: Immunodeficiency 44. Identifiers: Orphanet 431166, MedGen C4225260, MONDO:0014715, OMIM 616636.

gnomAD v4.1: 2 of 1,614,234 alleles (0.00012%); highest among the groups gnomAD compares: Admixed American, 0.0017%; no homozygotes.

Submission:

Labcorp Genetics (formerly Invitae), Labcorp
Classification: Uncertain significance for Primary immunodeficiency with post-measles-mumps-rubella vaccine viral infection. Last evaluated: 2021-08-24. Review status: criteria provided, single submitter. Criteria: Invitae Variant Classification Sherloc (09022015). Collection method: clinical testing. Allele origin: germline.
Comment: This sequence change replaces threonine with asparagine at codon 842 of the STAT2 protein (p.Thr842Asn). The threonine residue is weakly conserved and there is a small physicochemical difference between threonine and asparagine. This variant is not present in population databases (ExAC no frequency). This variant has not been reported in the literature in individuals affected with STAT2-related conditions. Algorithms developed to predict the effect of missense changes on protein structure and function (SIFT, PolyPhen-2, Align-GVGD) all suggest that this variant is likely to be tolerated. In summary, the available evidence is currently insufficient to determine the role of this variant in disease. Therefore, it has been classified as a Variant of Uncertain Significance.

NM_005419.4(STAT2):c.2525C>A (p.Thr842Asn)

Gene: STAT2 (signal transducer and activator of transcription 2; minus strand). Cytogenetic location: 12q13.3.
Variant type: single nucleotide variant.
Coding change: c.2525C>A on transcript NM_005419.4 (MANE Select); coding-DNA position 2525, C replaced by A.
Protein change: p.Thr842Asn; replaces threonine 842 with asparagine.
Molecular consequence: missense variant.
Genome position (GRCh38, 1-based): chr12:56,343,420, G>T on the plus strand (C>A on the coding strand, the complement: STAT2 is on the minus strand). VCF-style: chr12-56343420-G-T. GRCh37 (hg19) VCF-style: chr12-56737204-G-T.
Other names: c.2525C>A, p.Thr842Asn (LRG_1329t1); c.2513C>A, p.Thr838Asn (NM_198332.2); short protein forms T838N, T842N.
Identifiers: ClinVar variation 640593 (VCV000640593.6), dbSNP rs1356843849, ClinGen allele CA385258418.